The following is an entry in ClinVar:

NM_001365951.3(KIF1B):c.3684G>C (p.Lys1228Asn)

Gene: KIF1B (kinesin family member 1B; plus strand). Cytogenetic location: 1p36.22.
Variant type: single nucleotide variant.
Coding change: c.3684G>C on transcript NM_001365951.3 (MANE Select); coding-DNA position 3684, G replaced by C.
Protein change: p.Lys1228Asn; replaces lysine 1228 with asparagine.
Molecular consequence: missense variant.
Genome position (GRCh38, 1-based): chr1:10,343,283, G>C. VCF-style: chr1-10343283-G-C. GRCh37 (hg19) VCF-style: chr1-10403341-G-C.
Other names: c.3684G>C, p.Lys1228Asn (NM_001365952.1); c.3546G>C, p.Lys1182Asn (NM_015074.3); short protein forms K1182N, K1228N.
Identifiers: ClinVar variation 2448716 (VCV002448716.2), dbSNP rs2102323785, ClinGen allele CA338342163.

ClinVar aggregate classification (germline): Uncertain significance (1 of 4 stars; one submission).

Allele frequency attached by ClinVar (database versions not stated): gnomAD exomes 0.00001.
gnomAD v4.1: 5 of 1,614,132 alleles (0.00031%); highest among the groups gnomAD compares: Non-Finnish European, 0.00042%; no homozygotes.

Submission:

Ambry Genetics
Classification: Uncertain significance. Last evaluated: 2022-11-30. Review status: criteria provided, single submitter. Criteria: Ambry Variant Classification Scheme 2023. Collection method: clinical testing. Allele origin: germline.
Comment: The p.K1182N variant (also known as c.3546G>C), located in coding exon 31 of the KIF1B gene, results from a G to C substitution at nucleotide position 3546. The lysine at codon 1182 is replaced by asparagine, an amino acid with similar properties. This amino acid position is conserved. In addition, this alteration is predicted to be tolerated by in silico analysis. Since supporting evidence is limited at this time, the clinical significance of this alteration remains unclear.